The following is an entry in ClinVar:

ClinVar aggregate classification (germline): Pathogenic. Review status: criteria provided, multiple submitters, no conflicts (2 of 4 stars). 4 submissions from 4 submitters: Pathogenic (2). 2 of the submissions do not count toward it. Last evaluated 2025-11-21.

Conditions:
Autosomal recessive agammaglobulinemia 1 (AGM1). Also called: Agammaglobulinemia type 1; AGAMMAGLOBULINEMIA, AUTOSOMAL RECESSIVE, DUE TO IGHM DEFECT. Identifiers: MedGen C3152144, MONDO:0020729, OMIM 601495.
X-linked agammaglobulinemia with growth hormone deficiency (IGHD3). Also called: ISOLATED GROWTH HORMONE DEFICIENCY, TYPE III, WITH AGAMMAGLOBULINEMIA; FLEISHER SYNDROME; HYPOGAMMAGLOBULINEMIA AND ISOLATED GROWTH HORMONE DEFICIENCY, X-LINKED; IGHD III; AGAMMAGLOBULINEMIA AND ISOLATED GROWTH HORMONE DEFICIENCY, X-LINKED; Isolated growth hormone deficiency type 3. Identifiers: Orphanet 231692, Orphanet 631, MedGen C0472813, MONDO:0010615, OMIM 307200.
X-linked agammaglobulinemia (XLA). Also called: Bruton-type agammaglobulinemia; IMMUNODEFICIENCY 1; Bruton's agammaglobulinemia; Agammaglobulinemia, Bruton tyrosine kinase; Agammaglobulinemia, BTK; BTK-deficiency. Identifiers: Orphanet 229717, Orphanet 47, MedGen C0221026, MONDO:0010421, OMIM 300755.

Submissions (4):

Labcorp Genetics (formerly Invitae), Labcorp
Classification: Pathogenic for X-linked agammaglobulinemia with growth hormone deficiency. Last evaluated: 2025-11-21. Review status: criteria provided, single submitter. Criteria: Invitae Variant Classification Sherloc (09022015). Collection method: clinical testing. Allele origin: germline.
Comment: This sequence change creates a premature translational stop signal (p.Cys527Trpfs*2) in the BTK gene. It is expected to result in an absent or disrupted protein product. Loss-of-function variants in BTK are known to be pathogenic (PMID: 15661032, 16862044, 19419768). This variant is not present in population databases (gnomAD no frequency). This premature translational stop signal has been observed in individual(s) with X-linked agammaglobulinemia (PMID: 20529312, 23424595, 27980540). ClinVar contains an entry for this variant (Variation ID: 492818). For these reasons, this variant has been classified as Pathogenic.

GeneDx
Classification: Pathogenic. Last evaluated: 2019-12-18. Review status: criteria provided, single submitter. Criteria: GeneDx Variant Classification Process June 2021. Collection method: clinical testing. Allele origin: germline. Affected: yes.
Comment: Frameshift variant predicted to result in protein truncation or nonsense mediated decay in a gene for which loss-of-function is a known mechanism of disease; Not observed in large population cohorts (Lek et al., 2016); This variant is associated with the following publications: (PMID: 20529312, 23424595, 7849697, 27980540, 33225392, 32441320)

Clinical Molecular Genetics Laboratory, Johns Hopkins All Children's Hospital
Classification: Pathogenic for Autosomal agammaglobulinemia. Last evaluated: 2011-10-14. Review status: no assertion criteria provided. Collection method: clinical testing. Allele origin: germline. Affected: yes. Not counted in ClinVar's aggregate classification.

OMIM
Classification: Pathogenic for AGAMMAGLOBULINEMIA, X-LINKED. Last evaluated: 1994-10-01. Review status: no assertion criteria provided. Collection method: literature only. Allele origin: germline. Not counted in ClinVar's aggregate classification.

Literature cited by the submitters: PubMed 15661032 (cited by Labcorp Genetics (formerly Invitae), Labcorp); PubMed 16862044 (cited by Labcorp Genetics (formerly Invitae), Labcorp); PubMed 19419768 (cited by Labcorp Genetics (formerly Invitae), Labcorp); PubMed 20529312 (cited by Labcorp Genetics (formerly Invitae), Labcorp); PubMed 23424595 (cited by Labcorp Genetics (formerly Invitae), Labcorp); PubMed 27980540 (cited by Labcorp Genetics (formerly Invitae), Labcorp); PubMed 7849697 (cited by OMIM).

NM_000061.3(BTK):c.1581_1584del (p.Cys527fs)

Gene: BTK (Bruton tyrosine kinase; minus strand). Cytogenetic location: Xq22.1.
Variant type: Deletion.
Coding change: c.1581_1584del on transcript NM_000061.3 (MANE Select); coding-DNA positions 1581 to 1584, 4 bases deleted (TTTG; older notation c.1581_1584delTTTG).
Protein change: p.Cys527fs; shifts the reading frame from cysteine 527.
Molecular consequence: frameshift variant.
Genome position (GRCh38, 1-based): chrX:101,354,677-101,354,680, CAAA deleted on the plus strand (TTTG on the coding strand, the reverse complement: BTK is on the minus strand); deleting any 4 consecutive bases within chrX:101,354,677-101,354,682 gives the same sequence; the c. name uses the placement nearest the transcript's 3' end. VCF-style (leftmost placement, unchanged base first): chrX-101354676-CCAAA-C. GRCh37 (hg19) VCF-style: chrX-100609664-CCAAA-C.
Other names: c.1683_1686del, p.Cys561fs (NM_001287344.2); c.1053_1056del, p.Cys351fs (NM_001287345.2); c.1581_1584delTTTG (NM_000061.2); short protein forms C351fs, C527fs, C561fs.
Identifiers: ClinVar variation 492818 (VCV000492818.13), dbSNP rs1555977592, ClinGen allele CA658684320.
Genomic context (GRCh38, chrX:101,354,676, plus strand): 5'-AAAGCCACACTCACCTGGACAGGCCGAAATCAGATACTTTAACAACTCCTTGATCGTTTA[CCAAA>C]CAGTTTCGAGCTGCCTGTAGTGCAAACAGAGACCAGTGAGACTCCGTCCCCAGCACAGAG-3'